The following is an entry in ClinVar:

NM_052867.4(NALCN):c.3895A>G (p.Thr1299Ala)

Gene: NALCN (sodium leak channel, non-selective; minus strand). Cytogenetic location: 13q32.3.
Variant type: single nucleotide variant.
Coding change: c.3895A>G on transcript NM_052867.4 (MANE Select); coding-DNA position 3895, A replaced by G.
Protein change: p.Thr1299Ala; replaces threonine 1299 with alanine.
Molecular consequence: missense variant.
Genome position (GRCh38, 1-based): chr13:101,075,932, T>C on the plus strand (A>G on the coding strand, the complement: NALCN is on the minus strand). VCF-style: chr13-101075932-T-C. GRCh37 (hg19) VCF-style: chr13-101728283-T-C.
Other names: c.3982A>G, p.Thr1328Ala (NM_001350748.2); c.3895A>G, p.Thr1299Ala (NM_001350749.2); c.3808A>G, p.Thr1270Ala (NM_001350750.2, NM_001350751.2); short protein forms T1270A, T1299A, T1328A.
Identifiers: ClinVar variation 2576761 (VCV002576761.1), dbSNP rs774060131, ClinGen allele CA7035256.

ClinVar aggregate classification (germline): Uncertain significance (1 of 4 stars; one submission).

Allele frequency attached by ClinVar (database versions not stated): TOPMed below 0.00001; gnomAD 0.00001; gnomAD exomes 0.00001; ExAC 0.00003.
gnomAD v4.1: 12 of 1,608,072 alleles (0.00075%); highest among the groups gnomAD compares: Middle Eastern, 0.017%; no homozygotes.

Submission:

GeneDx
Classification: Uncertain significance. Last evaluated: 2023-02-17. Review status: criteria provided, single submitter. Criteria: GeneDx Variant Classification Process June 2021. Collection method: clinical testing. Allele origin: germline. Affected: yes.
Comment: In silico analysis supports that this missense variant does not alter protein structure/function; Has not been previously published as pathogenic or benign to our knowledge